The following is an entry in ClinVar:

NM_030653.4(DDX11):c.332C>T (p.Pro111Leu)

Gene: DDX11 (DEAD/H-box helicase 11; plus strand). Cytogenetic location: 12p11.21.
Variant type: single nucleotide variant.
Coding change: c.332C>T on transcript NM_030653.4 (MANE Select); coding-DNA position 332, C replaced by T.
Protein change: p.Pro111Leu; replaces proline 111 with leucine.
Molecular consequence: missense variant.
Genome position (GRCh38, 1-based): chr12:31,084,000, C>T. VCF-style: chr12-31084000-C-T. GRCh37 (hg19) VCF-style: chr12-31236934-C-T.
Other names: c.332C>T, p.Pro111Leu (NM_001257144.2, NM_004399.3, NM_152438.2); c.254C>T, p.Pro85Leu (NM_001257145.2); short protein forms P111L, P85L.
Identifiers: ClinVar variation 1254465 (VCV001254465.5), dbSNP rs371867621, ClinGen allele CA6500697.
Genomic context (GRCh38, chr12:31,084,000, plus strand): 5'-CCCTGTGTCTGTCTTCTTCCTGCGAAGGGGCTGCAGGCACCCCGAGGCCTGCTGGAGAAC[C>T]GGCCTGGGTTACTCAGTTTGTGCAGAAGAAAGAAGAGAGGGACCTGGTGGACCGACTAAA-3'
Protein context (NP_085911.2, residues 101-121): AAGTPRPAGE[Pro111Leu]AWVTQFVQKK

ClinVar aggregate classification (germline): Uncertain significance. Review status: criteria provided, multiple submitters, no conflicts (2 of 4 stars). 3 submissions from 3 submitters: Uncertain significance (3). Last evaluated 2025-06-07.

Conditions:
Inborn genetic diseases. Identifiers: MedGen C0950123, MeSH D030342.

Allele frequency attached by ClinVar (database versions not stated): TOPMed 0.00014; ESP Exome Variant Server 0.00015; gnomAD 0.00017 and 0.00019; gnomAD exomes 0.00019 and 0.00024; ExAC 0.00021.
gnomAD v4.1: 308 of 1,613,764 alleles (0.019%); highest among the groups gnomAD compares: Admixed American, 0.053%; no homozygotes.

Submissions (3):

Ambry Genetics
Classification: Uncertain significance for Inborn genetic diseases. Last evaluated: 2025-06-07. Review status: criteria provided, single submitter. Criteria: Ambry Variant Classification Scheme 2023. Collection method: clinical testing. Allele origin: germline.

Blueprint Genetics
Classification: Uncertain significance. Last evaluated: 2024-01-11. Review status: criteria provided, single submitter. Criteria: ACMG Guidelines, 2015. Collection method: clinical testing. Allele origin: germline.

GeneDx
Classification: Uncertain significance. Last evaluated: 2023-03-07. Review status: criteria provided, single submitter. Criteria: GeneDx Variant Classification Process June 2021. Collection method: clinical testing. Allele origin: germline. Affected: yes.
Comment: In silico analysis supports that this missense variant has a deleterious effect on protein structure/function; Has not been previously published as pathogenic or benign to our knowledge